The following is an entry in ClinVar:

NM_031229.4(RBCK1):c.436G>A (p.Glu146Lys)

Gene: RBCK1 (RANBP2-type and C3HC4-type zinc finger containing 1; plus strand). Cytogenetic location: 20p13.
Variant type: single nucleotide variant.
Coding change: c.436G>A on transcript NM_031229.4 (MANE Select); coding-DNA position 436, G replaced by A.
Protein change: p.Glu146Lys; replaces glutamic acid 146 with lysine.
Molecular consequence: missense variant. On other transcripts: synonymous variant (2), non-coding transcript variant (1).
Genome position (GRCh38, 1-based): chr20:417,906, G>A. VCF-style: chr20-417906-G-A. GRCh37 (hg19) VCF-style: chr20-398550-G-A.
Other names: c.87G>A, p.Gly29= (NM_001323956.2, NM_001323958.2); c.310G>A, p.Glu104Lys (NM_006462.6); short protein forms E146K, E104K.
Identifiers: ClinVar variation 475184 (VCV000475184.7), dbSNP rs1555785275, ClinGen allele CA407950880.

ClinVar aggregate classification (germline): Uncertain significance (1 of 4 stars; one submission).

Conditions:
Polyglucosan body myopathy type 1 (PGBM1). Also called: Polyglucosan body myopathy 1 with or without immunodeficiency; POLYGLUCOSAN BODY MYOPATHY WITHOUT IMMUNODEFICIENCY. Identifiers: Orphanet 329173, Orphanet 397937, MedGen C4014605, MONDO:0014389, OMIM 615895.

Submission:

Labcorp Genetics (formerly Invitae), Labcorp
Classification: Uncertain significance for Polyglucosan body myopathy type 1. Last evaluated: 2017-07-22. Review status: criteria provided, single submitter. Criteria: Invitae Variant Classification Sherloc (09022015). Collection method: clinical testing. Allele origin: germline.
Comment: In summary, the available evidence is currently insufficient to determine the role of this variant in disease. Therefore, it has been classified as a Variant of Uncertain Significance. Algorithms developed to predict the effect of missense changes on protein structure and function do not agree on the potential impact of this missense change (SIFT: "Deleterious"; PolyPhen-2: "Benign"; Align-GVGD: "Class C0"). This variant has not been reported in the literature in individuals with RBCK1-related disease. This variant is not present in population databases (ExAC no frequency). This sequence change replaces glutamic acid with lysine at codon 146 of the RBCK1 protein (p.Glu146Lys). The glutamic acid residue is moderately conserved and there is a small physicochemical difference between glutamic acid and lysine.